The following is an entry in ClinVar:

NM_001069.3(TUBB2A):c.1329C>A (p.Asp443Glu)

Gene: TUBB2A (tubulin beta 2A class IIa; minus strand). Cytogenetic location: 6p25.2.
Variant type: single nucleotide variant.
Coding change: c.1329C>A on transcript NM_001069.3 (MANE Select); coding-DNA position 1329, C replaced by A.
Protein change: p.Asp443Glu; replaces aspartic acid 443 with glutamic acid.
Molecular consequence: missense variant.
Genome position (GRCh38, 1-based): chr6:3,153,872, G>T on the plus strand (C>A on the coding strand, the complement: TUBB2A is on the minus strand). VCF-style: chr6-3153872-G-T. GRCh37 (hg19) VCF-style: chr6-3154106-G-T.
Other names: c.1074C>A, p.Asp358Glu (NM_001310315.2); short protein forms D358E, D443E.
Identifiers: ClinVar variation 3361563 (VCV003361563.2).
Genomic context (GRCh38, chr6:3,153,872, plus strand): 5'-CTTGAGGACAACAGAAGTTCACTAAGGATGCACGATTGATCTGAGAAGTTTTTAAGCCTC[G>T]TCCTCGCCCTCCTCCTCCTCGAACTCCCCTTGTTCGTCGGCCGTGGCGTCCTGGTACTGC-3'
Protein context (NP_001060.1, residues 433-445): QGEFEEEEGE[Asp443Glu]EA

ClinVar aggregate classification (germline): Uncertain significance (1 of 4 stars; one submission).

Submission:

GeneDx
Classification: Uncertain significance. Last evaluated: 2026-06-19. Review status: criteria provided, single submitter. Criteria: GeneDx Variant Classification Process June 2021. Collection method: clinical testing. Allele origin: germline.
Comment: Not observed at significant frequency in large population cohorts (gnomAD); In silico analysis suggests that this missense variant does not alter protein structure/function; Has not been previously published as pathogenic or benign to our knowledge